The following is an entry in ClinVar:

ClinVar aggregate classification (germline): Conflicting classifications of pathogenicity. Review status: criteria provided, conflicting classifications (1 of 4 stars). 16 submissions from 16 submitters: Uncertain significance (9); Likely benign (4). 3 of the submissions do not count toward it. Last evaluated 2026-06-22.

Conditions:
TTN-related disorder. Also called: TTN-related condition; TTN-related disease; TTN-related disorders.
Cardiovascular phenotype. Identifiers: MedGen CN230736.
Autosomal recessive limb-girdle muscular dystrophy type 2J (LGMDR10). Also called: Limb-girdle muscular dystrophy, type 2J; MUSCULAR DYSTROPHY, LIMB-GIRDLE, AUTOSOMAL RECESSIVE 10. Identifiers: Orphanet 140922, MedGen C1837342, MONDO:0012127, OMIM 608807.
Dilated cardiomyopathy 1G (CMD1G). Identifiers: Orphanet 154, MedGen C1858763, MONDO:0011400, OMIM 604145.

Allele frequency attached by ClinVar (database versions not stated): gnomAD exomes 0.00005 and 0.00011; ExAC 0.00012; gnomAD 0.00024 and 0.00027; TOPMed 0.00029; ESP Exome Variant Server 0.00033.
gnomAD v4.1: 102 of 1,570,582 alleles (0.0065%); highest among the groups gnomAD compares: African/African-American, 0.084%; no homozygotes.

Submissions (16):

PreventionGenetics, part of Exact Sciences
Classification: Uncertain significance for TTN-related condition. Last evaluated: 2026-06-22. Review status: criteria provided, single submitter. Criteria: ACMG Guidelines, 2015. Collection method: clinical testing. Allele origin: germline.
Comment: The TTN c.61409T>C variant is predicted to result in the amino acid substitution p.Ile20470Thr. To our knowledge, this variant has not been reported in the literature. This variant is reported in 0.084% of alleles in individuals of African descent in gnomAD. Although we suspect that this variant may be benign, at this time, the clinical significance of this variant is uncertain due to the absence of conclusive functional and genetic evidence.

Molecular Diagnostic Laboratory for Inherited Cardiovascular Disease, Montreal Heart Institute
Classification: Likely benign. Last evaluated: 2025-04-09. Review status: criteria provided, single submitter. Criteria: ACMG Guidelines, 2015. Collection method: clinical testing. Allele origin: germline. Affected: no.

Blueprint Genetics
Classification: Likely benign. Last evaluated: 2024-01-16. Review status: criteria provided, single submitter. Criteria: ACMG Guidelines, 2015. Collection method: clinical testing. Allele origin: germline.

Mayo Clinic Laboratories, Mayo Clinic
Classification: Uncertain significance. Last evaluated: 2023-12-13. Review status: criteria provided, single submitter. Criteria: ACMG Guidelines, 2015. Collection method: clinical testing. Allele origin: germline. Observed: 1 variant allele.
Comment: BS1

ARUP Laboratories, Molecular Genetics and Genomics, ARUP Laboratories
Classification: Uncertain significance. Last evaluated: 2022-02-08. Review status: criteria provided, single submitter. Criteria: ARUP Molecular Germline Variant Investigation Process 2021. Collection method: clinical testing. Allele origin: germline.
Comment: The TTN c.61409T>C; p.Ile20470Thr variant (rs202012910; ClinVar Variation ID: 47173) is rare in the general population (<0.2% allele frequency in the Genome Aggregation Database) and has not been reported in the medical literature in association with dilated cardiomyopathy (DCM) or other TTN-related disease. The clinical relevance of rare missense variants in this gene, which are identified on average once per individual sequenced in affected populations (Herman 2012), is not well understood. Yet, evidence suggests that the vast majority of such missense variants do not contribute to the clinical outcome of DCM (Begay 2015). Thus, the clinical significance of the p.Ile20470Thr variant cannot be determined with certainty.

Revvity Omics, Revvity
Classification: Uncertain significance. Last evaluated: 2020-05-25. Review status: criteria provided, single submitter. Criteria: ACMG Guidelines, 2015. Collection method: clinical testing. Allele origin: germline.

Ambry Genetics
Classification: Likely benign for Cardiovascular phenotype. Last evaluated: 2020-05-20. Review status: criteria provided, single submitter. Criteria: Ambry Variant Classification Scheme 2023. Collection method: clinical testing. Allele origin: germline.

GeneDx
Classification: Likely benign. Last evaluated: 2019-12-24. Review status: criteria provided, single submitter. Criteria: GeneDx Variant Classification Process June 2021. Collection method: clinical testing. Allele origin: germline. Affected: yes.
Comment: This variant is associated with the following publications: (PMID: 28152038)

Women's Health and Genetics/Laboratory Corporation of America, LabCorp
Classification: Uncertain significance. Last evaluated: 2019-11-11. Review status: criteria provided, single submitter. Criteria: LabCorp Variant Classification Summary - May 2015. Collection method: clinical testing. Allele origin: germline.
Comment: Variant summary: TTN c.53705T>C (p.Ile17902Thr) results in a non-conservative amino acid change located in the A-band region of the encoded protein sequence. Three of five in-silico tools predict a damaging effect of the variant on protein function. The variant allele was found at a frequency of 0.00011 in 213576 control chromosomes. This frequency is not significantly higher than expected for a pathogenic variant in TTN causing Dilated Cardiomyopathy (0.00011 vs 0.00063), allowing no conclusion about variant significance. To our knowledge, no occurrence of c.53705T>C in individuals affected with Dilated Cardiomyopathy and no experimental evidence demonstrating its impact on protein function have been reported. Four clinical diagnostic laboratories have submitted clinical-significance assessments for this variant to ClinVar after 2014 without evidence for independent evaluation. All laboratories classified the variant as uncertain significance. Based on the evidence outlined above, the variant was classified as uncertain significance.

Labcorp Genetics (formerly Invitae), Labcorp
Classification: Uncertain significance for Dilated cardiomyopathy 1G; Autosomal recessive limb-girdle muscular dystrophy type 2J. Last evaluated: 2017-12-09. Review status: criteria provided, single submitter. Criteria: Invitae Variant Classification Sherloc (09022015). Collection method: clinical testing. Allele origin: germline.

Eurofins Ntd Llc (ga)
Classification: Uncertain significance. Last evaluated: 2017-02-24. Review status: criteria provided, single submitter. Criteria: EGL Classification Definitions 2015. Collection method: clinical testing. Allele origin: germline. Observed: 2 variant alleles, 2 heterozygotes.

Genetic Services Laboratory, University of Chicago
Classification: Uncertain significance. Last evaluated: 2014-01-10. Review status: criteria provided, single submitter. Criteria: ACMG Guidelines, 2007. Collection method: clinical testing. Allele origin: germline.

Laboratory for Molecular Medicine, Mass General Brigham Personalized Medicine
Classification: Uncertain significance. Last evaluated: 2012-11-07. Review status: criteria provided, single submitter. Criteria: LMM Criteria. Collection method: clinical testing. Allele origin: germline. Observed: 1 variant allele.
Comment: The Ile17902Thr variant in TTN has not been reported in the literature nor previ ously identified by our laboratory. This variant has been identified in 2/8304 E uropean American chromosomes and 2/3916 African American chromosomes from a broa d population by the NHLBI Exome Sequencing Project (/EVS). Computational analyses (biochemical amino acid properties, conservation, AlignGVGD, PolyPhen2, and SIFT) do not provide strong support for or against an impact to the protein. In summary, additional information is needed to fully ass ess the variant's clinical significance.

Clinical Genetics DNA and cytogenetics Diagnostics Lab, Erasmus MC, Erasmus Medical Center
Classification: Uncertain significance. Review status: no assertion criteria provided. Collection method: clinical testing. Allele origin: germline. Affected: yes. Study: VKGL Data-share Consensus. Not counted in ClinVar's aggregate classification.

Department of Pathology and Laboratory Medicine, Sinai Health System
Classification: Uncertain significance. Review status: no assertion criteria provided. Collection method: clinical testing. Allele origin: unknown. Affected: yes. Study: The Canadian Open Genetics Repository (COGR). Not counted in ClinVar's aggregate classification.
Comment: The TTN p.I17902T variant was not identified in the literature but was identified in dbSNP (ID: rs202012910) and ClinVar (classified as uncertain significance by Invitae, GeneDx and five other laboratories). The variant was identified in control databases in 30 of 244940 chromosomes at a frequency of 0.0001225 (Genome Aggregation Database March 6, 2019, v2.1.1). The p.I17902 residue is conserved in mammals and computational analyses (MUT Assesor, PolyPhen-2, SIFT, MutationTaster, Revel, FATHMM, MetaLR, DANN) provide inconsistent predictions regarding the impact to the protein; this information is not very predictive of pathogenicity. The variant occurs outside of the splicing consensus sequence and in silico or computational prediction software programs (Splice AI exome) do not predict a difference in splicing. In summary, based on the above information the clinical significance of this variant cannot be determined with certainty at this time. This variant is classified as a variant of uncertain significance.

Joint Genome Diagnostic Labs from Nijmegen and Maastricht, Radboudumc and MUMC+
Classification: Uncertain significance. Review status: no assertion criteria provided. Collection method: clinical testing. Allele origin: germline. Affected: yes. Study: VKGL Data-share Consensus. Not counted in ClinVar's aggregate classification.

NM_001267550.2(TTN):c.61409T>C (p.Ile20470Thr)

Genes: TTN (titin; minus strand), TTN-AS1 (TTN antisense RNA 1; plus strand). Cytogenetic location: 2q31.2.
Variant type: single nucleotide variant.
Coding change: c.61409T>C on transcript NM_001267550.2 (MANE Select); coding-DNA position 61409, T replaced by C.
Protein change: p.Ile20470Thr; replaces isoleucine 20470 with threonine.
Molecular consequence: missense variant.
Genome position (GRCh38, 1-based): chr2:178,590,316, A>G on the plus strand (T>C on the coding strand, the complement: TTN is on the minus strand). VCF-style: chr2-178590316-A-G. GRCh37 (hg19) VCF-style: chr2-179455043-A-G.
Other names: p.I18829T:ATC>ACC; p.Ile18829Thr; c.56486T>C, p.Ile18829Thr (NM_001256850.1); c.34214T>C, p.Ile11405Thr (NM_003319.4); c.53705T>C, p.Ile17902Thr (NM_133378.4); c.34589T>C, p.Ile11530Thr (NM_133432.3); c.34790T>C, p.Ile11597Thr (NM_133437.4); short protein forms I20470T, I17902T, I18829T, I11405T, I11530T, I11597T.
Identifiers: ClinVar variation 47173 (VCV000047173.37), dbSNP rs202012910, ClinGen allele CA140224.